The following is an entry in ClinVar:

NM_000135.4(FANCA):c.1038G>A (p.Trp346Ter)

Gene: FANCA (FA complementation group A; minus strand). Cytogenetic location: 16q24.3.
Variant type: single nucleotide variant.
Coding change: c.1038G>A on transcript NM_000135.4 (MANE Select); coding-DNA position 1038, G replaced by A.
Protein change: p.Trp346Ter; replaces tryptophan 346 with a stop codon.
Molecular consequence: nonsense.
Genome position (GRCh38, 1-based): chr16:89,792,516, C>T on the plus strand (G>A on the coding strand, the complement: FANCA is on the minus strand). VCF-style: chr16-89792516-C-T. GRCh37 (hg19) VCF-style: chr16-89858924-C-T.
Other names: c.1038G>A, p.Trp346Ter (NM_001286167.3); short protein forms W346*.
Identifiers: ClinVar variation 2961614 (VCV002961614.3), dbSNP rs750257902, ClinGen allele CA397466803.

ClinVar aggregate classification (germline): Pathogenic (1 of 4 stars; one submission).

Conditions:
Fanconi anemia (FA). Also called: Fanconi's anemia. Identifiers: Orphanet 84, MedGen C0015625, MeSH D005199, MONDO:0019391.

Submission:

Labcorp Genetics (formerly Invitae), Labcorp
Classification: Pathogenic for Fanconi anemia. Last evaluated: 2023-10-06. Review status: criteria provided, single submitter. Criteria: Invitae Variant Classification Sherloc (09022015). Collection method: clinical testing. Allele origin: germline.
Comment: This sequence change creates a premature translational stop signal (p.Trp346*) in the FANCA gene. It is expected to result in an absent or disrupted protein product. Loss-of-function variants in FANCA are known to be pathogenic (PMID: 19367192). This variant is not present in population databases (gnomAD no frequency). This variant has not been reported in the literature in individuals affected with FANCA-related conditions. For these reasons, this variant has been classified as Pathogenic.

Literature cited by the submitters: PubMed 19367192.